The following is an entry in ClinVar:

NM_006306.4(SMC1A):c.2351T>C (p.Ile784Thr)

Gene: SMC1A (structural maintenance of chromosomes 1A; minus strand). Cytogenetic location: Xp11.22.
Variant type: single nucleotide variant.
Coding change: c.2351T>C on transcript NM_006306.4 (MANE Select); coding-DNA position 2351, T replaced by C.
Protein change: p.Ile784Thr; replaces isoleucine 784 with threonine.
Molecular consequence: missense variant.
Genome position (GRCh38, 1-based): chrX:53,403,635, A>G on the plus strand (T>C on the coding strand, the complement: SMC1A is on the minus strand). VCF-style: chrX-53403635-A-G. GRCh37 (hg19) VCF-style: chrX-53430567-A-G.
Other names: c.2285T>C, p.Ile762Thr (NM_001281463.1); short protein forms I784T, I762T.
Identifiers: ClinVar variation 29929 (VCV000029929.50), dbSNP rs387906702, ClinGen allele CA259690.

ClinVar aggregate classification (germline): Pathogenic/Likely pathogenic. Review status: criteria provided, multiple submitters, no conflicts (2 of 4 stars). 6 submissions from 6 submitters: Pathogenic (3); Likely pathogenic (2). 1 of the submissions does not count toward it. Last evaluated 2025-08-06.

Conditions:
Inborn genetic diseases. Identifiers: MedGen C0950123, MeSH D030342.
Congenital muscular hypertrophy-cerebral syndrome (CDLS2). Also called: Cornelia de Lange syndrome 2; SMC1A-Related Cornelia de Lange Syndrome. Identifiers: Orphanet 199, MedGen C1802395, MONDO:0010370, OMIM 300590.

Submissions (6):

GeneDx
Classification: Pathogenic. Last evaluated: 2025-08-06. Review status: criteria provided, single submitter. Criteria: GeneDx Variant Classification Process June 2021. Collection method: clinical testing. Allele origin: germline. Affected: yes.
Comment: Not observed in large population cohorts (gnomAD); Missense variants in this gene are often considered pathogenic (HGMD); In silico analysis supports that this missense variant has a deleterious effect on protein structure/function; This variant is associated with the following publications: (PMID: 20635401, 24756084, 27159028, 24124034, 37377026)

3billion
Classification: Pathogenic for Congenital muscular hypertrophy-cerebral syndrome. Last evaluated: 2022-05-22. Review status: criteria provided, single submitter. Criteria: ACMG Guidelines, 2015. Collection method: clinical testing. Allele origin: germline. Affected: yes. Observed: 1 heterozygote.
Comment: The variant is not observed in the gnomAD v2.1.1 dataset. Missense changes are a common disease-causing mechanism. In silico tool predictions suggest damaging effect of the variant on gene or gene product (REVEL: 0.86; 3Cnet: 0.52). Same nucleotide change resulting in same amino acid change has been previously reported as pathogenic/likely pathogenic with strong evidence (ClinVar ID: VCV000029929). The variant has been observed in multiple (>3) similarly affected unrelated individuals (PMID: 20635401, 24124034, 24756084). Therefore, this variant is classified as pathogenic according to the recommendation of ACMG/AMP guideline.

CeGaT Center for Human Genetics Tuebingen
Classification: Pathogenic. Last evaluated: 2019-03-01. Review status: criteria provided, single submitter. Criteria: CeGaT Center For Human Genetics Tuebingen Variant Classification Criteria Version 2. Collection method: clinical testing. Allele origin: germline. Affected: yes. Observed: 1 variant allele.

Ambry Genetics
Classification: Likely pathogenic for Inborn genetic diseases. Last evaluated: 2017-10-24. Review status: criteria provided, single submitter. Criteria: Ambry exome assertion method (8-5-2015). Collection method: clinical testing. Allele origin: germline. Affected: yes. Observed: 1 variant allele.

Center for Human Genetics, University of Leuven
Classification: Likely pathogenic for Congenital muscular hypertrophy-cerebral syndrome. Last evaluated: 2015-01-01. Review status: criteria provided, single submitter. Criteria: Fieremans et al. (Hum Mutat 2016). Collection method: literature only. Allele origin: de novo. Inheritance: Sporadic. Affected: yes. Observed: 1 variant allele.

OMIM
Classification: Pathogenic for CORNELIA DE LANGE SYNDROME 2. Last evaluated: 2010-08-01. Review status: no assertion criteria provided. Collection method: literature only. Allele origin: germline. Not counted in ClinVar's aggregate classification.

Literature cited by the submitters: PubMed 24124034 (cited by 3billion); PubMed 20635401 (cited by 3 submitters); PubMed 24756084 (cited by 3billion); PubMed 23551878 (cited by Ambry Genetics).